The following is an entry in ClinVar:

NM_004656.4(BAP1):c.1105T>C (p.Ser369Pro)

Gene: BAP1 (BRCA1 associated deubiquitinase 1; minus strand). Cytogenetic location: 3p21.1.
Variant type: single nucleotide variant.
Coding change: c.1105T>C on transcript NM_004656.4 (MANE Select); coding-DNA position 1105, T replaced by C.
Protein change: p.Ser369Pro; replaces serine 369 with proline.
Molecular consequence: missense variant.
Genome position (GRCh38, 1-based): chr3:52,405,121, A>G on the plus strand (T>C on the coding strand, the complement: BAP1 is on the minus strand). VCF-style: chr3-52405121-A-G. GRCh37 (hg19) VCF-style: chr3-52439137-A-G.
Other names: c.1051T>C, p.Ser351Pro (NM_001410772.1); short protein forms S369P, S351P.
Identifiers: ClinVar variation 5032705 (VCV005032705.1).
Genomic context (GRCh38, chr3:52,405,121, plus strand): 5'-CTCTCAAGAGAATCAAGTAGAGAATCCTGCAAGGGTGCTCCCAGCTTACCTGCATGGGGG[A>G]CTTGGCATAATTGTGATTGTCTAGAAAGGCCGGCAGCCGCTGGACAATGGGAGTGGGGTT-3'
Protein context (NP_004647.1, residues 359-379): AFLDNHNYAK[Ser369Pro]PMQEEEDLAA

ClinVar aggregate classification (germline): Uncertain significance (1 of 4 stars; one submission).

Conditions:
Hereditary cancer-predisposing syndrome. Also called: Neoplastic Syndromes, Hereditary; Tumor predisposition; Hereditary neoplastic syndrome; Hereditary Cancer Syndrome. Identifiers: Orphanet 140162, MedGen C0027672, MeSH D009386, MONDO:0015356.

Submission:

Ambry Genetics
Classification: Uncertain significance for Hereditary cancer-predisposing syndrome. Last evaluated: 2026-08-21. Review status: criteria provided, single submitter. Criteria: Ambry Variant Classification Scheme 2023. Collection method: clinical testing. Allele origin: germline.
Comment: The p.S369P variant (also known as c.1105T>C), located in coding exon 11 of the BAP1 gene, results from a T to C substitution at nucleotide position 1105. The serine at codon 369 is replaced by proline, an amino acid with similar properties. This amino acid position is conserved. In addition, the in silico prediction for this alteration is inconclusive. Based on the available evidence, the clinical significance of this variant remains unclear.